The following is an entry in ClinVar:

ClinVar aggregate classification (germline): Likely pathogenic (1 of 4 stars; one submission).

Conditions:
Primary ciliary dyskinesia. Also called: Ciliary dyskinesia. Identifiers: Orphanet 244, MedGen C0008780, MONDO:0016575, HP:0012265.

Submission:

Labcorp Genetics (formerly Invitae), Labcorp
Classification: Likely pathogenic for Primary ciliary dyskinesia. Last evaluated: 2022-11-05. Review status: criteria provided, single submitter. Criteria: Invitae Variant Classification Sherloc (09022015). Collection method: clinical testing. Allele origin: germline.
Comment: In summary, the currently available evidence indicates that the variant is pathogenic, but additional data are needed to prove that conclusively. Therefore, this variant has been classified as Likely Pathogenic. This variant disrupts the p.Arg2677 amino acid residue in DNAH5. Other variant(s) that disrupt this residue have been determined to be pathogenic (PMID: 24150548; Invitae). This suggests that this residue is clinically significant, and that variants that disrupt this residue are likely to be disease-causing. Advanced modeling of protein sequence and biophysical properties (such as structural, functional, and spatial information, amino acid conservation, physicochemical variation, residue mobility, and thermodynamic stability) performed at Invitae indicates that this missense variant is expected to disrupt DNAH5 protein function. This variant has not been reported in the literature in individuals affected with DNAH5-related conditions. This variant is not present in population databases (gnomAD no frequency). This sequence change replaces arginine, which is basic and polar, with proline, which is neutral and non-polar, at codon 2677 of the DNAH5 protein (p.Arg2677Pro).

Literature cited by the submitters: PubMed 24150548.

NM_001369.3(DNAH5):c.8030G>C (p.Arg2677Pro)

Gene: DNAH5 (dynein axonemal heavy chain 5; minus strand). Cytogenetic location: 5p15.2.
Variant type: single nucleotide variant.
Coding change: c.8030G>C on transcript NM_001369.3 (MANE Select); coding-DNA position 8030, G replaced by C.
Protein change: p.Arg2677Pro; replaces arginine 2677 with proline.
Molecular consequence: missense variant.
Genome position (GRCh38, 1-based): chr5:13,793,709, C>G on the plus strand (G>C on the coding strand, the complement: DNAH5 is on the minus strand). VCF-style: chr5-13793709-C-G. GRCh37 (hg19) VCF-style: chr5-13793818-C-G.
Other names: short protein forms R2677P.
Identifiers: ClinVar variation 2812193 (VCV002812193.3), dbSNP rs886043448, ClinGen allele CA359221624.